The following is an entry in ClinVar:

ClinVar aggregate classification (germline): Likely benign. Review status: criteria provided, multiple submitters, no conflicts (2 of 4 stars). 2 submissions from 2 submitters: Likely benign (2). Last evaluated 2025-11-06.

Conditions:
Osteogenesis imperfecta type I (OI1). Also called: Lobstein's Disease; Lobstein disease; Classic Non-deforming Osteogenesis Imperfecta with Blue Sclerae; OI, TYPE I; OSTEOGENESIS IMPERFECTA TARDA; OSTEOGENESIS IMPERFECTA WITH BLUE SCLERAE. Identifiers: Orphanet 216796, Orphanet 666, MedGen C0023931, MONDO:0008146, OMIM 166200. Disease mechanism: loss of function.

Allele frequency attached by ClinVar (database versions not stated): gnomAD exomes below 0.00001; gnomAD 0.00001; ExAC 0.00002; TOPMed 0.00003; ESP Exome Variant Server 0.00008.

Submissions (2):

Labcorp Genetics (formerly Invitae), Labcorp
Classification: Likely benign for Osteogenesis imperfecta type I. Last evaluated: 2025-11-06. Review status: criteria provided, single submitter. Criteria: Invitae Variant Classification Sherloc (09022015). Collection method: clinical testing. Allele origin: germline.

Women's Health and Genetics/Laboratory Corporation of America, LabCorp
Classification: Likely benign. Last evaluated: 2025-09-02. Review status: criteria provided, single submitter. Criteria: LabCorp Variant Classification Summary - May 2015. Collection method: clinical testing. Allele origin: germline.
Comment: Variant summary: COL1A1 c.1668+18delT alters a nucleotide located at a position not widely known to affect splicing. Consensus agreement among computation tools predict no significant impact on normal splicing. However, these predictions have yet to be confirmed by functional studies. The variant allele was found at a frequency of 8e-06 in 251006 control chromosomes. The available data on variant occurrences in the general population are insufficient to allow any conclusion about variant significance. To our knowledge, no occurrence of c.1668+18delT in individuals affected with COL1A1-related conditions and no experimental evidence demonstrating its impact on protein function have been reported. ClinVar contains an entry for this variant (Variation ID: 2731712). Based on the evidence outlined above, the variant was classified as likely benign.

NM_000088.4(COL1A1):c.1668+18del

Gene: COL1A1 (collagen type I alpha 1 chain; minus strand). Cytogenetic location: 17q21.33.
Variant type: Deletion.
Coding change: c.1668+18del on transcript NM_000088.4 (MANE Select); 18 bases into the intron after coding-DNA position 1668, one base deleted (T; older notation c.1668+18delT).
Molecular consequence: intron variant.
Genome position (GRCh38, 1-based): chr17:50,194,112, A deleted on the plus strand (T on the coding strand, the reverse complement: COL1A1 is on the minus strand). VCF-style (leftmost placement, unchanged base first): chr17-50194111-CA-C. GRCh37 (hg19) VCF-style: chr17-48271472-CA-C.
Other names: c.1668+18delT (NM_000088.4).
Identifiers: ClinVar variation 2731712 (VCV002731712.4), dbSNP rs779620095, ClinGen allele CA8645155.